The following is an entry in ClinVar:

ClinVar aggregate classification (germline): Uncertain significance (1 of 4 stars; one submission).

Submission:

Dasa
Classification: Uncertain significance. Last evaluated: 2024-10-30. Review status: criteria provided, single submitter. Criteria: DASA Assertion Criteria. Collection method: clinical testing. Allele origin: germline.
Comment: NM_001378120.1(MBD5):c.4703A>C (p.His1568Pro) is a missense variant that results in the substitution of histidine with proline. This variant is absent from population databases. The currently available literature and clinical evidence are not sufficient to establish a definitive association between this variant and the reported condition. Therefore, this variant is classified as a variant of uncertain significance.

NM_001378120.1(MBD5):c.4703A>C (p.His1568Pro)

Gene: MBD5 (methyl-CpG binding domain protein 5; plus strand). Cytogenetic location: 2q23.1.
Variant type: single nucleotide variant.
Coding change: c.4703A>C on transcript NM_001378120.1 (MANE Select); coding-DNA position 4703, A replaced by C.
Protein change: p.His1568Pro; replaces histidine 1568 with proline.
Molecular consequence: missense variant.
Genome position (GRCh38, 1-based): chr2:148,490,335, A>C. VCF-style: chr2-148490335-A-C. GRCh37 (hg19) VCF-style: chr2-149247904-A-C.
Other names: c.4703A>C, p.His1568Pro (NM_001438854.1, NM_001438856.1, NM_001438857.1 and 1 more transcripts); c.4004A>C, p.His1335Pro (NM_001438855.1, NM_001438859.1, NM_001438860.1 and 3 more transcripts); short protein forms H1335P, H1568P.
Identifiers: ClinVar variation 4881973 (VCV004881973.2).
Genomic context (GRCh38, chr2:148,490,335, plus strand): 5'-AGGAGCAGTCTCCAAGTTCCTCAAATAGTTTGGAAAATTCTCTGGTCAAAGACTACATCC[A>C]TTACAATGGAGACTTTAATGCCAAAAGCGTTAATGGGTGTGTGCCTAGCCCTTCAGATGC-3'
Protein context (NP_001365049.1, residues 1558-1578): LENSLVKDYI[His1568Pro]YNGDFNAKSV